The following is an entry in ClinVar:

NM_005055.5(RAPSN):c.457G>A (p.Ala153Thr)

Gene: RAPSN (receptor associated protein of the synapse; minus strand). Cytogenetic location: 11p11.2.
Variant type: single nucleotide variant.
Coding change: c.457G>A on transcript NM_005055.5 (MANE Select); coding-DNA position 457, G replaced by A.
Protein change: p.Ala153Thr; replaces alanine 153 with threonine.
Molecular consequence: missense variant.
Genome position (GRCh38, 1-based): chr11:47,447,886, C>T on the plus strand (G>A on the coding strand, the complement: RAPSN is on the minus strand). VCF-style: chr11-47447886-C-T. GRCh37 (hg19) VCF-style: chr11-47469438-C-T.
Other names: c.457G>A, p.Ala153Thr (NM_032645.5); short protein forms A153T.
Identifiers: ClinVar variation 689780 (VCV000689780.8), dbSNP rs142635726, ClinGen allele CA5976741.

ClinVar aggregate classification (germline): Conflicting classifications of pathogenicity. Review status: criteria provided, conflicting classifications (1 of 4 stars). 5 submissions from 3 submitters: Likely pathogenic (1); Uncertain significance (3). 1 of the submissions does not count toward it. Last evaluated 2024-02-05.

Conditions:
Fetal akinesia deformation sequence 2. Identifiers: MedGen C4760576, MONDO:0100102, OMIM 618388.
Congenital myasthenic syndrome 11. Also called: MYASTHENIC SYNDROME, CONGENITAL, Ie; Myasthenic syndrome, congenital, 11, associated with acetylcholine receptor deficiency. Identifiers: Orphanet 590, MedGen C4225367, MONDO:0014588, OMIM 616326.
Fetal akinesia deformation sequence 1 (FADS1). Also called: Pena-Shokeir syndrome type I; Fetal akinesia sequence. Identifiers: Orphanet 994, MedGen C1276035, MONDO:0100101, OMIM 208150, HP:0001989.

Allele frequency attached by ClinVar (database versions not stated): TOPMed 0.00004; ESP Exome Variant Server 0.00008.

Submissions (5):

Baylor Genetics
Classification: Likely pathogenic for Fetal akinesia deformation sequence 2. Last evaluated: 2024-02-05. Review status: criteria provided, single submitter. Criteria: ACMG Guidelines, 2015. Collection method: clinical testing. Allele origin: unknown.

Women's Health and Genetics/Laboratory Corporation of America, LabCorp
Classification: Uncertain significance. Last evaluated: 2023-08-02. Review status: criteria provided, single submitter. Criteria: LabCorp Variant Classification Summary - May 2015. Collection method: clinical testing. Allele origin: germline.
Comment: Variant summary: RAPSN c.457G>A (p.Ala153Thr) results in a non-conservative amino acid change located in the MalT-like TPR region (IPR041617) of the encoded protein sequence. Four of five in-silico tools predict a damaging effect of the variant on protein function. The variant allele was found at a frequency of 1.2e-05 in 248824 control chromosomes (gnomAD). The available data on variant occurrences in the general population are insufficient to allow any conclusion about variant significance. c.457G>A has been reported in the literature in heterozygous individuals affected with autism spectrum disorder and had whole exome sequencing analysis (Fu_2022 and Liu_2019). These report(s) do not provide unequivocal conclusions about association of the variant with Congenital Myasthenic Syndrome. To our knowledge, no experimental evidence demonstrating an impact on protein function has been reported. The following publications have been ascertained in the context of this evaluation (PMID: 31216405, 35982160, 35982159). One submitter has cited clinical-significance assessments for this variant to ClinVar after 2014 and has classified the variant as uncertain significance. Based on the evidence outlined above, the variant was classified as uncertain significance.

Illumina Laboratory Services, Illumina
Classification: Uncertain significance for Fetal akinesia deformation sequence 1. Last evaluated: 2017-04-28. Review status: criteria provided, single submitter. Criteria: ICSL Variant Classification Criteria 13 December 2019. Collection method: clinical testing. Allele origin: germline.

Illumina Laboratory Services, Illumina
Classification: Uncertain significance for Congenital myasthenic syndrome 11. Last evaluated: 2017-04-28. Review status: criteria provided, single submitter. Criteria: ICSL Variant Classification Criteria 13 December 2019. Collection method: clinical testing. Allele origin: germline.

Baylor Genetics
Classification: Uncertain significance for Fetal akinesia deformation sequence 1; Congenital myasthenic syndrome 11. Last evaluated: 2012-08-10. Review status: flagged submission. Criteria: ACMG Guidelines, 2015. Collection method: clinical testing. Allele origin: germline. Affected: yes. Not counted in ClinVar's aggregate classification.
ClinVar note: Reason: New submission from submitter that appears to have been intended to update this older submission

Literature cited by the submitters: PubMed 31216405 (cited by Women's Health and Genetics/Laboratory Corporation of America, LabCorp); PubMed 35982160 (cited by Women's Health and Genetics/Laboratory Corporation of America, LabCorp); PubMed 35982159 (cited by Women's Health and Genetics/Laboratory Corporation of America, LabCorp).